The following is an entry in ClinVar:

ClinVar aggregate classification (germline): Conflicting classifications of pathogenicity. Review status: criteria provided, conflicting classifications (1 of 4 stars). 5 submissions from 5 submitters: Pathogenic (1); Likely pathogenic (2); Uncertain significance (1). 1 of the submissions does not count toward it. Last evaluated 2025-12-31.

Conditions:
Usher syndrome type 1 (USH1). Also called: RETINITIS PIGMENTOSA AND CONGENITAL DEAFNESS. Identifiers: Orphanet 231169, Orphanet 886, MedGen C1568247, MONDO:0010168, OMIM 276900.
Autosomal recessive nonsyndromic hearing loss 2. Also called: DEAFNESS, AUTOSOMAL RECESSIVE 2; NEUROSENSORY NONSYNDROMIC RECESSIVE DEAFNESS 2. Identifiers: Orphanet 90636, MedGen C1838701, MONDO:0010807, OMIM 600060.
Autosomal dominant nonsyndromic hearing loss 11. Identifiers: Orphanet 90635, MedGen C1832475, MONDO:0011032, OMIM 601317.

Allele frequency attached by ClinVar (database versions not stated): TOPMed below 0.00001.
gnomAD v4.1: 17 of 1,598,096 alleles (0.0011%); highest among the groups gnomAD compares: Non-Finnish European, 0.0015%; no homozygotes.

Submissions (5):

Myriad Genetics, Inc.
Classification: Uncertain significance for Usher syndrome type 1. Last evaluated: 2025-12-31. Review status: criteria provided, single submitter. Criteria: Myriad Autosomal Dominant, Autosomal Recessive and X-Linked Classification Criteria (2023). Collection method: clinical testing. Allele origin: unknown.
Comment: NM_000260.3(MYO7A):c.1348G>C(E450Q) is a missense variant classified as a variant of uncertain significance in the context of MYO7A-related disorders. E450Q has been observed in cases with relevant disease (PMID: 8900236, 34948090, 37734845). Relevant functional assessments of this variant are not available in the literature. E450Q has not been observed in referenced population frequency databases. In summary, there is insufficient evidence to classify NM_000260.3(MYO7A):c.1348G>C(E450Q) as pathogenic or benign. Please note: this variant was assessed in the context of healthy population screening.

Fulgent Genetics
Classification: Likely pathogenic for Usher syndrome type 1; Autosomal recessive nonsyndromic hearing loss 2; Autosomal dominant nonsyndromic hearing loss 11. Last evaluated: 2024-05-21. Review status: criteria provided, single submitter. Criteria: ACMG Guidelines, 2015. Collection method: clinical testing. Allele origin: germline.

Labcorp Genetics (formerly Invitae), Labcorp
Classification: Pathogenic. Last evaluated: 2024-03-18. Review status: criteria provided, single submitter. Criteria: Invitae Variant Classification Sherloc (09022015). Collection method: clinical testing. Allele origin: germline.
Comment: This sequence change replaces glutamic acid, which is acidic and polar, with glutamine, which is neutral and polar, at codon 450 of the MYO7A protein (p.Glu450Gln). This variant is not present in population databases (gnomAD no frequency). This missense change has been observed in individual(s) with Usher syndrome (PMID: 8900236; Invitae). In at least one individual the data is consistent with being in trans (on the opposite chromosome) from a pathogenic variant. ClinVar contains an entry for this variant (Variation ID: 554415). Advanced modeling of protein sequence and biophysical properties (such as structural, functional, and spatial information, amino acid conservation, physicochemical variation, residue mobility, and thermodynamic stability) performed at Invitae indicates that this missense variant is expected to disrupt MYO7A protein function with a positive predictive value of 95%. Experimental studies have shown that this missense change affects MYO7A function (PMID: 18700726). This variant disrupts the p.Glu450 amino acid residue in MYO7A. Other variant(s) that disrupt this residue have been observed in individuals with MYO7A-related conditions (Invitae), which suggests that this may be a clinically significant amino acid residue. For these reasons, this variant has been classified as Pathogenic.

Institute of Medical Genetics and Applied Genomics, University Hospital Tübingen
Classification: Likely pathogenic. Last evaluated: 2021-06-17. Review status: criteria provided, single submitter. Criteria: ACMG Guidelines, 2015. Collection method: clinical testing. Allele origin: germline. Inheritance: Autosomal recessive inheritance. Affected: yes.

Counsyl
Classification: Uncertain significance for Usher syndrome type 1; Autosomal recessive nonsyndromic hearing loss 2. Last evaluated: 2017-10-17. Review status: no assertion criteria provided. Collection method: clinical testing. Allele origin: unknown. Not counted in ClinVar's aggregate classification.

Literature cited by the submitters: PubMed 34948090 (cited by Myriad Genetics, Inc.); PubMed 37734845 (cited by Myriad Genetics, Inc.); PubMed 8900236 (cited by 3 submitters); PubMed 18700726 (cited by Labcorp Genetics (formerly Invitae), Labcorp and Counsyl).

NM_000260.4(MYO7A):c.1348G>C (p.Glu450Gln)

Gene: MYO7A (myosin VIIA; plus strand). Cytogenetic location: 11q13.5.
Variant type: single nucleotide variant.
Coding change: c.1348G>C on transcript NM_000260.4 (MANE Select); coding-DNA position 1348, G replaced by C.
Protein change: p.Glu450Gln; replaces glutamic acid 450 with glutamine.
Molecular consequence: missense variant.
Genome position (GRCh38, 1-based): chr11:77,162,124, G>C. VCF-style: chr11-77162124-G-C. GRCh37 (hg19) VCF-style: chr11-76873170-G-C.
Other names: c.1348G>C, p.Glu450Gln (NM_001127180.2); c.1315G>C, p.Glu439Gln (NM_001369365.1); short protein forms E450Q, E439Q.
Identifiers: ClinVar variation 554415 (VCV000554415.10), dbSNP rs1269622956, ClinGen allele CA381935196.